The following is an entry in ClinVar:

NM_182972.3(IRF2BP2):c.1338G>C (p.Gln446His)

Gene: IRF2BP2 (interferon regulatory factor 2 binding protein 2; minus strand). Cytogenetic location: 1q42.3.
Variant type: single nucleotide variant.
Coding change: c.1338G>C on transcript NM_182972.3 (MANE Select); coding-DNA position 1338, G replaced by C.
Protein change: p.Gln446His; replaces glutamine 446 with histidine.
Molecular consequence: missense variant.
Genome position (GRCh38, 1-based): chr1:234,607,563, C>G on the plus strand (G>C on the coding strand, the complement: IRF2BP2 is on the minus strand). VCF-style: chr1-234607563-C-G. GRCh37 (hg19) VCF-style: chr1-234743309-C-G.
Other names: c.1290G>C, p.Gln430His (NM_001077397.1); short protein forms Q430H, Q446H.
Identifiers: ClinVar variation 3605487 (VCV003605487.2).
Genomic context (GRCh38, chr1:234,607,563, plus strand): 5'-TTGGTTCATAGAGGACGGAGAGGGCGGACTGTTGCTATTCCTCCTGGTAGTGGAGTGAAC[C>G]TGGTTGGCATCTTTTGAGGCATGACTGCCCCCTGCATTGTCTGCTACTAAGATCAGGGCT-3'
Protein context (NP_892017.2, residues 436-456): GGSHASKDAN[Gln446His]VHSTTRRNSN

ClinVar aggregate classification (germline): Uncertain significance (1 of 4 stars; one submission).

Submission:

Labcorp Genetics (formerly Invitae), Labcorp
Classification: Uncertain significance. Last evaluated: 2024-06-28. Review status: criteria provided, single submitter. Criteria: Invitae Variant Classification Sherloc (09022015). Collection method: clinical testing. Allele origin: germline.
Comment: This sequence change replaces glutamine, which is neutral and polar, with histidine, which is basic and polar, at codon 446 of the IRF2BP2 protein (p.Gln446His). This variant is not present in population databases (gnomAD no frequency). This variant has not been reported in the literature in individuals affected with IRF2BP2-related conditions. An algorithm developed to predict the effect of missense changes on protein structure and function (PolyPhen-2) suggests that this variant is likely to be disruptive. In summary, the available evidence is currently insufficient to determine the role of this variant in disease. Therefore, it has been classified as a Variant of Uncertain Significance.